The following is an entry in ClinVar:

NM_000521.4(HEXB):c.1039C>T (p.Gln347Ter)

Gene: HEXB (hexosaminidase subunit beta; plus strand). Cytogenetic location: 5q13.3.
Variant type: single nucleotide variant.
Coding change: c.1039C>T on transcript NM_000521.4 (MANE Select); coding-DNA position 1039, C replaced by T.
Protein change: p.Gln347Ter; replaces glutamine 347 with a stop codon.
Molecular consequence: nonsense.
Genome position (GRCh38, 1-based): chr5:74,715,647, C>T. VCF-style: chr5-74715647-C-T. GRCh37 (hg19) VCF-style: chr5-74011472-C-T.
Other names: c.364C>T, p.Gln122Ter (NM_001292004.2); short protein forms Q122*, Q347*.
Identifiers: ClinVar variation 984366 (VCV000984366.3), dbSNP rs1749652247, ClinGen allele CA360068777.

ClinVar aggregate classification (germline): Likely pathogenic (1 of 4 stars; one submission).

Conditions:
Sandhoff disease. Also called: GM2-GANGLIOSIDOSIS, TYPE II; Beta-hexosaminidase-beta-subunit deficiency; GM2 gangliosidosis, type 2; Total hexosaminidase deficiency; Sandhoff-Jatzkewitz-Pilz disease; HEXOSAMINIDASES A AND B DEFICIENCY. Identifiers: Orphanet 796, MedGen C0036161, MONDO:0010006, OMIM 268800.

Submission:

Myriad Genetics, Inc.
Classification: Likely pathogenic for Sandhoff disease. Last evaluated: 2019-08-09. Review status: criteria provided, single submitter. Criteria: Myriad Women's Health Autosomal Recessive and X-Linked Classification Criteria (2019). Collection method: clinical testing. Allele origin: unknown.
Comment: NM_000521.3(HEXB):c.1039C>T(Q347*) is expected to be pathogenic in the context of Sandhoff disease. This variant is predicted to lead to an abnormal or absent protein product due to the creation of a premature termination codon in HEXB, a gene where loss-of-function variants are known to be pathogenic. Please note: this variant was assessed in the context of healthy population screening.